The following is an entry in ClinVar:

NM_004836.7(EIF2AK3):c.1649G>A (p.Arg550Lys)

Gene: EIF2AK3 (eukaryotic translation initiation factor 2 alpha kinase 3; minus strand). Cytogenetic location: 2p11.2.
Variant type: single nucleotide variant.
Coding change: c.1649G>A on transcript NM_004836.7 (MANE Select); coding-DNA position 1649, G replaced by A.
Protein change: p.Arg550Lys; replaces arginine 550 with lysine.
Molecular consequence: missense variant.
Genome position (GRCh38, 1-based): chr2:88,585,842, C>T on the plus strand (G>A on the coding strand, the complement: EIF2AK3 is on the minus strand). VCF-style: chr2-88585842-C-T. GRCh37 (hg19) VCF-style: chr2-88885360-C-T.
Other names: c.1196G>A, p.Arg399Lys (NM_001313915.2); short protein forms R550K, R399K.
Identifiers: ClinVar variation 2074167 (VCV002074167.4), dbSNP rs761661210, ClinGen allele CA1754658.

ClinVar aggregate classification (germline): Uncertain significance (1 of 4 stars; one submission).

Allele frequency attached by ClinVar (database versions not stated): gnomAD exomes below 0.00001; ExAC 0.00001.
gnomAD v4.1: 2 of 1,613,230 alleles (0.00012%); highest among the groups gnomAD compares: Non-Finnish European, 0.000085%; no homozygotes.

Submission:

Labcorp Genetics (formerly Invitae), Labcorp
Classification: Uncertain significance. Last evaluated: 2024-07-17. Review status: criteria provided, single submitter. Criteria: Invitae Variant Classification Sherloc (09022015). Collection method: clinical testing. Allele origin: germline.
Comment: This sequence change replaces arginine, which is basic and polar, with lysine, which is basic and polar, at codon 550 of the EIF2AK3 protein (p.Arg550Lys). This variant is present in population databases (rs761661210, gnomAD 0.0009%). This variant has not been reported in the literature in individuals affected with EIF2AK3-related conditions. ClinVar contains an entry for this variant (Variation ID: 2074167). An algorithm developed to predict the effect of missense changes on protein structure and function (PolyPhen-2) suggests that this variant is likely to be tolerated. In summary, the available evidence is currently insufficient to determine the role of this variant in disease. Therefore, it has been classified as a Variant of Uncertain Significance.